The following is an entry in ClinVar:

ClinVar aggregate classification (germline): Uncertain significance. Review status: criteria provided, multiple submitters, no conflicts (2 of 4 stars). 2 submissions from 2 submitters: Uncertain significance (2). Last evaluated 2025-11-24.

Conditions:
Cardiovascular phenotype. Identifiers: MedGen CN230736.
Brugada syndrome. Also called: Sudden unexpected nocturnal death syndrome; Sudden Unexplained Death Syndrome; Sudden Unexplained Nocturnal Death Syndrome (SUNDS); Sudden unexplained nocturnal death syndrome. Identifiers: Orphanet 130, MedGen C1142166, MONDO:0015263.

gnomAD v4.1: 3 of 1,572,832 alleles (0.00019%); highest among the groups gnomAD compares: African/African-American, 0.0041%; no homozygotes.

Submissions (2):

Ambry Genetics
Classification: Uncertain significance for Cardiovascular phenotype. Last evaluated: 2025-11-24. Review status: criteria provided, single submitter. Criteria: Ambry Variant Classification Scheme 2023. Collection method: clinical testing. Allele origin: germline.
Comment: The p.G774S variant (also known as c.2320G>A), located in coding exon 29 of the CACNA2D1 gene, results from a G to A substitution at nucleotide position 2320. The glycine at codon 774 is replaced by serine, an amino acid with similar properties. This amino acid position is conserved. In addition, this alteration is predicted to be tolerated by in silico analysis. Based on the available evidence, the clinical significance of this variant remains unclear.

Labcorp Genetics (formerly Invitae), Labcorp
Classification: Uncertain significance for Brugada syndrome. Last evaluated: 2024-07-08. Review status: criteria provided, single submitter. Criteria: Invitae Variant Classification Sherloc (09022015). Collection method: clinical testing. Allele origin: germline.
Comment: This sequence change replaces glycine, which is neutral and non-polar, with serine, which is neutral and polar, at codon 774 of the CACNA2D1 protein (p.Gly774Ser). This variant is present in population databases (rs761701811, gnomAD 0.007%). This variant has not been reported in the literature in individuals affected with CACNA2D1-related conditions. Algorithms developed to predict the effect of missense changes on protein structure and function output the following: SIFT: "Not Available"; PolyPhen-2: "Benign"; Align-GVGD: "Not Available". The serine amino acid residue is found in multiple mammalian species, which suggests that this missense change does not adversely affect protein function. In summary, the available evidence is currently insufficient to determine the role of this variant in disease. Therefore, it has been classified as a Variant of Uncertain Significance.

NM_000722.4(CACNA2D1):c.2320G>A (p.Gly774Ser)

Gene: CACNA2D1 (calcium voltage-gated channel auxiliary subunit alpha2delta 1; minus strand). Cytogenetic location: 7q21.11.
Variant type: single nucleotide variant.
Coding change: c.2320G>A on transcript NM_000722.4 (MANE Select); coding-DNA position 2320, G replaced by A.
Protein change: p.Gly774Ser; replaces glycine 774 with serine.
Molecular consequence: missense variant.
Genome position (GRCh38, 1-based): chr7:81,968,962, C>T on the plus strand (G>A on the coding strand, the complement: CACNA2D1 is on the minus strand). VCF-style: chr7-81968962-C-T. GRCh37 (hg19) VCF-style: chr7-81598278-C-T.
Other names: c.2356G>A, p.Gly786Ser (NM_001366867.1); short protein forms G786S, G774S.
Identifiers: ClinVar variation 3672101 (VCV003672101.3).